The following is an entry in ClinVar:

ClinVar aggregate classification (germline): Uncertain significance (1 of 4 stars; one submission).

Allele frequency attached by ClinVar (database versions not stated): TOPMed below 0.00001; ExAC 0.00001.
gnomAD v4.1: 5 of 1,589,810 alleles (0.00031%); highest among the groups gnomAD compares: Non-Finnish European, 0.00043%; no homozygotes.

Submission:

Labcorp Genetics (formerly Invitae), Labcorp
Classification: Uncertain significance. Last evaluated: 2022-07-18. Review status: criteria provided, single submitter. Criteria: Invitae Variant Classification Sherloc (09022015). Collection method: clinical testing. Allele origin: germline.
Comment: This sequence change replaces glycine, which is neutral and non-polar, with alanine, which is neutral and non-polar, at codon 157 of the SKIV2L protein (p.Gly157Ala). This variant is not present in population databases (gnomAD no frequency). This variant has not been reported in the literature in individuals affected with SKIV2L-related conditions. ClinVar contains an entry for this variant (Variation ID: 1464270). Algorithms developed to predict the effect of missense changes on protein structure and function are either unavailable or do not agree on the potential impact of this missense change (SIFT: "Deleterious"; PolyPhen-2: "Possibly Damaging"; Align-GVGD: "Class C0"). In summary, the available evidence is currently insufficient to determine the role of this variant in disease. Therefore, it has been classified as a Variant of Uncertain Significance.

NM_006929.5(SKIC2):c.470G>C (p.Gly157Ala)

Gene: SKIC2 (SKI2 subunit of superkiller complex; plus strand). Cytogenetic location: 6p21.33.
Variant type: single nucleotide variant.
Coding change: c.470G>C on transcript NM_006929.5 (MANE Select); coding-DNA position 470, G replaced by C.
Protein change: p.Gly157Ala; replaces glycine 157 with alanine.
Molecular consequence: missense variant.
Genome position (GRCh38, 1-based): chr6:31,960,666, G>C. VCF-style: chr6-31960666-G-C. GRCh37 (hg19) VCF-style: chr6-31928443-G-C.
Other names: short protein forms G157A.
Identifiers: ClinVar variation 1464270 (VCV001464270.3), dbSNP rs764648856, ClinGen allele CA3729171.
Genomic context (GRCh38, chr6:31,960,666, plus strand): 5'-CCCCACCTATCTCGTATTACCCTCATCCCATGAATCCCTGTCTGTCCTGTCTCTTCCCAG[G>C]GGGGATGGATGAACCCACCATAACAGATCTGAACACACGGGAGGAGGCTGAGGAGGAGAT-3'
Protein context (NP_008860.4, residues 147-167): GNPTQYPFWP[Gly157Ala]GMDEPTITDL